The following is an entry in ClinVar:

NM_014028.4(OSTM1):c.960C>G (p.Leu320=)

Gene: OSTM1 (osteoclastogenesis associated transmembrane protein 1; minus strand). Cytogenetic location: 6q21.
Variant type: single nucleotide variant.
Coding change: c.960C>G on transcript NM_014028.4 (MANE Select); coding-DNA position 960, C replaced by G.
Protein change: p.Leu320=; no amino-acid change (leucine 320 retained).
Molecular consequence: synonymous variant.
Genome position (GRCh38, 1-based): chr6:108,044,830, G>C on the plus strand (C>G on the coding strand, the complement: OSTM1 is on the minus strand). VCF-style: chr6-108044830-G-C. GRCh37 (hg19) VCF-style: chr6-108366034-G-C.
Identifiers: ClinVar variation 788101 (VCV000788101.13), dbSNP rs201793834, ClinGen allele CA3947915.
Genomic context (GRCh38, chr6:108,044,830, plus strand): 5'-TCCATTTTGTAGGTCTCAGTTTGAATTTTCCTGAATATTTGCAAAACTGGTACTGGACTT[G>C]AGACGTTTGGCTAGATAAATCAAAAGAATTATATTTTAATTTAAATTTAATTATCAAACA-3'
Protein context (NP_054747.2, residues 310-330): KKRKLILPKR[Leu320=]KSSTSFANIQ

ClinVar aggregate classification (germline): Benign/Likely benign. Review status: criteria provided, multiple submitters, no conflicts (2 of 4 stars). 3 submissions from 3 submitters: Benign (2); Likely benign (1). Last evaluated 2026-02-02.

Conditions:
Autosomal recessive osteopetrosis 5. Identifiers: Orphanet 85179, MedGen C1968603, MONDO:0009817, OMIM 259720.

Allele frequency attached by ClinVar (database versions not stated): gnomAD 0.00001 and 0.00046; TOPMed 0.00006; ESP Exome Variant Server 0.00008; 1000 Genomes Project 30x 0.00312; 1000 Genomes Project 0.00379.
gnomAD v4.1: 1,064 of 1,555,916 alleles (0.068%); highest among the groups gnomAD compares: South Asian, 1.2%; 14 homozygotes.

Submissions (3):

Labcorp Genetics (formerly Invitae), Labcorp
Classification: Benign. Last evaluated: 2026-02-02. Review status: criteria provided, single submitter. Criteria: Invitae Variant Classification Sherloc (09022015). Collection method: clinical testing. Allele origin: germline.

Fulgent Genetics
Classification: Likely benign for Autosomal recessive osteopetrosis 5. Last evaluated: 2022-01-12. Review status: criteria provided, single submitter. Criteria: ACMG Guidelines, 2015. Collection method: clinical testing. Allele origin: unknown.

Illumina Laboratory Services, Illumina
Classification: Benign for Autosomal recessive osteopetrosis 5. Last evaluated: 2018-01-12. Review status: criteria provided, single submitter. Criteria: ICSL Variant Classification Criteria 13 December 2019. Collection method: clinical testing. Allele origin: germline.
Comment: This variant was observed in the ICSL laboratory as part of a predisposition screen in an ostensibly healthy population. It had not been previously curated by ICSL or reported in the Human Gene Mutation Database (HGMD: prior to June 1st, 2018), and was therefore a candidate for classification through an automated scoring system. Utilizing variant allele frequency, disease prevalence and penetrance estimates, and inheritance mode, an automated score was calculated to assess if this variant is too frequent to cause the disease. Based on the score and internal cut-off values, a variant classified as benign is not then subjected to further curation. The score for this variant resulted in a classification of benign for this disease.